The following is an entry in ClinVar:

ClinVar aggregate classification (germline): Uncertain significance (1 of 4 stars; one submission).

Conditions:
Seizures, benign familial infantile, 3 (BFIS3). Also called: CONVULSIONS, BENIGN FAMILIAL INFANTILE, 3; Familial neonatal seizures. Identifiers: Orphanet 140927, Orphanet 306, MedGen C1843140, MONDO:0011904, OMIM 607745.
Developmental and epileptic encephalopathy, 11 (DEE11). Also called: Early infantile epileptic encephalopathy 11. Identifiers: Orphanet 1934, MedGen C3150987, MONDO:0013388, OMIM 613721.

Submission:

Labcorp Genetics (formerly Invitae), Labcorp
Classification: Uncertain significance for Seizures, benign familial infantile, 3; Developmental and epileptic encephalopathy, 11. Last evaluated: 2023-12-21. Review status: criteria provided, single submitter. Criteria: Invitae Variant Classification Sherloc (09022015). Collection method: clinical testing. Allele origin: germline.
Comment: This sequence change replaces aspartic acid, which is acidic and polar, with tyrosine, which is neutral and polar, at codon 1554 of the SCN2A protein (p.Asp1554Tyr). This variant is not present in population databases (gnomAD no frequency). This variant has not been reported in the literature in individuals affected with SCN2A-related conditions. Advanced modeling of protein sequence and biophysical properties (such as structural, functional, and spatial information, amino acid conservation, physicochemical variation, residue mobility, and thermodynamic stability) performed at Invitae indicates that this missense variant is expected to disrupt SCN2A protein function with a positive predictive value of 95%. In summary, the available evidence is currently insufficient to determine the role of this variant in disease. Therefore, it has been classified as a Variant of Uncertain Significance.

NM_001040142.2(SCN2A):c.4660G>T (p.Asp1554Tyr)

Gene: SCN2A (sodium voltage-gated channel alpha subunit 2; plus strand). Cytogenetic location: 2q24.3.
Variant type: single nucleotide variant.
Coding change: c.4660G>T on transcript NM_001040142.2 (MANE Select); coding-DNA position 4660, G replaced by T.
Protein change: p.Asp1554Tyr; replaces aspartic acid 1554 with tyrosine.
Molecular consequence: missense variant.
Genome position (GRCh38, 1-based): chr2:165,386,854, G>T. VCF-style: chr2-165386854-G-T. GRCh37 (hg19) VCF-style: chr2-166243364-G-T.
Other names: c.4660G>T, p.Asp1554Tyr (NM_001040143.2, NM_001371246.1, NM_001371247.1 and 1 more transcripts); short protein forms D1554Y.
Identifiers: ClinVar variation 2949506 (VCV002949506.3), dbSNP rs2468149664, ClinGen allele CA349036405.